The following is an entry in ClinVar:

ClinVar aggregate classification (germline): Uncertain significance. Review status: criteria provided, multiple submitters, no conflicts (2 of 4 stars). 3 submissions from 3 submitters: Uncertain significance (2). 1 of the submissions does not count toward it. Last evaluated 2025-06-25.

Conditions:
Hereditary cancer-predisposing syndrome. Also called: Tumor predisposition; Hereditary Cancer Syndrome; Neoplastic Syndromes, Hereditary; Hereditary neoplastic syndrome. Identifiers: Orphanet 140162, MedGen C0027672, MeSH D009386, MONDO:0015356.
Ataxia-telangiectasia syndrome (AT). Also called: Cerebello-oculocutaneous telangiectasia; Immunodeficiency with ataxia telangiectasia; Ataxia-telangiectasia, complementation group D; AT, COMPLEMENTATION GROUP C; Ataxia-telangiectasia, complementation group E; LOUIS-BAR SYNDROME. Identifiers: Orphanet 100, MedGen C0004135, MONDO:0008840, OMIM 208900.

Allele frequency attached by ClinVar (database versions not stated): gnomAD exomes 0.00001 and 0.00002; ExAC 0.00002.
gnomAD v4.1: 8 of 1,613,698 alleles (0.0005%); highest among the groups gnomAD compares: South Asian, 0.0077%; no homozygotes.

Submissions (3):

Ambry Genetics
Classification: Uncertain significance for Hereditary cancer-predisposing syndrome. Last evaluated: 2025-06-25. Review status: criteria provided, single submitter. Criteria: Ambry Variant Classification Scheme 2023. Collection method: clinical testing. Allele origin: germline.
Comment: The p.E1751Q variant (also known as c.5251G>C), located in coding exon 34 of the ATM gene, results from a G to C substitution at nucleotide position 5251. The glutamic acid at codon 1751 is replaced by glutamine, an amino acid with highly similar properties. This amino acid position is well conserved in available vertebrate species. In addition, the in silico prediction for this alteration is inconclusive. Since supporting evidence is limited at this time, the clinical significance of this alteration remains unclear.

Labcorp Genetics (formerly Invitae), Labcorp
Classification: Uncertain significance for Ataxia-telangiectasia syndrome. Last evaluated: 2022-01-04. Review status: criteria provided, single submitter. Criteria: Invitae Variant Classification Sherloc (09022015). Collection method: clinical testing. Allele origin: germline.
Comment: This sequence change replaces glutamic acid, which is acidic and polar, with glutamine, which is neutral and polar, at codon 1751 of the ATM protein (p.Glu1751Gln). This variant is present in population databases (rs755397489, gnomAD 0.01%). This variant has not been reported in the literature in individuals affected with ATM-related conditions. ClinVar contains an entry for this variant (Variation ID: 453569). Advanced modeling of protein sequence and biophysical properties (such as structural, functional, and spatial information, amino acid conservation, physicochemical variation, residue mobility, and thermodynamic stability) performed at Invitae indicates that this missense variant is not expected to disrupt ATM protein function. In summary, the available evidence is currently insufficient to determine the role of this variant in disease. Therefore, it has been classified as a Variant of Uncertain Significance.

Natera, Inc.
Classification: Uncertain significance for Ataxia-telangiectasia. Last evaluated: 2019-10-28. Review status: no assertion criteria provided. Collection method: clinical testing. Allele origin: germline. Not counted in ClinVar's aggregate classification.

NM_000051.4(ATM):c.5251G>C (p.Glu1751Gln)

Gene: ATM (ATM serine/threonine kinase; plus strand). Cytogenetic location: 11q22.3.
Variant type: single nucleotide variant.
Coding change: c.5251G>C on transcript NM_000051.4 (MANE Select); coding-DNA position 5251, G replaced by C.
Protein change: p.Glu1751Gln; replaces glutamic acid 1751 with glutamine.
Molecular consequence: missense variant.
Genome position (GRCh38, 1-based): chr11:108,301,721, G>C. VCF-style: chr11-108301721-G-C. GRCh37 (hg19) VCF-style: chr11-108172448-G-C.
Other names: c.5251G>C, p.Glu1751Gln (NM_001351834.2); short protein forms E1751Q.
Identifiers: ClinVar variation 453569 (VCV000453569.18), dbSNP rs755397489, ClinGen allele CA6265665.